The following is an entry in ClinVar:

ClinVar aggregate classification (germline): Uncertain significance (1 of 4 stars; one submission).

Allele frequency attached by ClinVar (database versions not stated): gnomAD exomes below 0.00001; TOPMed below 0.00001.
gnomAD v4.1: 1 of 1,613,946 alleles (0.000062%); highest among the groups gnomAD compares: Non-Finnish European, 0.000085%; no homozygotes.

Submission:

Labcorp Genetics (formerly Invitae), Labcorp
Classification: Uncertain significance. Last evaluated: 2022-10-24. Review status: criteria provided, single submitter. Criteria: Invitae Variant Classification Sherloc (09022015). Collection method: clinical testing. Allele origin: germline.
Comment: This sequence change replaces valine, which is neutral and non-polar, with isoleucine, which is neutral and non-polar, at codon 260 of the FLVCR1 protein (p.Val260Ile). In summary, the available evidence is currently insufficient to determine the role of this variant in disease. Therefore, it has been classified as a Variant of Uncertain Significance. Advanced modeling of protein sequence and biophysical properties (such as structural, functional, and spatial information, amino acid conservation, physicochemical variation, residue mobility, and thermodynamic stability) performed at Invitae indicates that this missense variant is not expected to disrupt FLVCR1 protein function. This variant has not been reported in the literature in individuals affected with FLVCR1-related conditions. This variant is not present in population databases (gnomAD no frequency).

NM_014053.4(FLVCR1):c.778G>A (p.Val260Ile)

Gene: FLVCR1 (FLVCR choline and heme transporter 1; plus strand). Cytogenetic location: 1q32.3.
Variant type: single nucleotide variant.
Coding change: c.778G>A on transcript NM_014053.4 (MANE Select); coding-DNA position 778, G replaced by A.
Protein change: p.Val260Ile; replaces valine 260 with isoleucine.
Molecular consequence: missense variant.
Genome position (GRCh38, 1-based): chr1:212,863,764, G>A. VCF-style: chr1-212863764-G-A. GRCh37 (hg19) VCF-style: chr1-213037106-G-A.
Other names: short protein forms V260I.
Identifiers: ClinVar variation 2124796 (VCV002124796.4), dbSNP rs1051165077, ClinGen allele CA36870745.